The following is an entry in ClinVar:

NM_001754.5(RUNX1):c.983C>A (p.Thr328Lys)

Gene: RUNX1 (RUNX family transcription factor 1; minus strand). Cytogenetic location: 21q22.12.
Variant type: single nucleotide variant.
Coding change: c.983C>A on transcript NM_001754.5 (MANE Select); coding-DNA position 983, C replaced by A.
Protein change: p.Thr328Lys; replaces threonine 328 with lysine.
Molecular consequence: missense variant.
Genome position (GRCh38, 1-based): chr21:34,792,595, G>T on the plus strand (C>A on the coding strand, the complement: RUNX1 is on the minus strand). VCF-style: chr21-34792595-G-T. GRCh37 (hg19) VCF-style: chr21-36164892-G-T.
Other names: NM_001754.5(RUNX1):c.983C>A; p.Thr328Lys; c.902C>A, p.Thr301Lys (NM_001001890.3); short protein forms T328K, T301K.
Identifiers: ClinVar variation 2116456 (VCV002116456.7), dbSNP rs757999827, ClinGen allele CA410148798.
Genomic context (GRCh38, chr21:34,792,595, plus strand): 5'-TGCATGCGGGGGTCGGAGATGGAGGGCAGCGCGGGGAACTGGCGCGGGTCGCTGAACGCT[G>T]TCAGGTCGGGTGCCGCTGCAGGGCGGGCAAGAGAACGGAGCGGAAGTGAGTAGGAGGTTG-3'
Protein context (NP_001745.2, residues 318-338): SSRLSTAPDL[Thr328Lys]AFSDPRQFPA

ClinVar aggregate classification (germline): Uncertain significance. Review status: reviewed by expert panel (3 of 4 stars). 4 submissions from 4 submitters: Uncertain significance (1). 3 of the submissions do not count toward it. Last evaluated 2024-11-13.

Conditions:
Hereditary thrombocytopenia and hematological cancer predisposition syndrome associated with RUNX1. Also called: Familial Platelet Disorder with Propensity to Acute Myelogenous Leukemia; Familial thrombocytopenia with propensity to acute myelogenous leukemia; PLATELET DISORDER, ASPIRIN-LIKE; RUNX1 Familial Platelet Disorder with Associated Myeloid Malignancies. Identifiers: Orphanet 71290, MedGen C1832388, MeSH C563324, MONDO:0100083, OMIM 601399.
Hereditary thrombocytopenia and hematologic cancer predisposition syndrome. Identifiers: Orphanet 71290, MedGen CN281654, MONDO:0011071.
Inborn genetic diseases. Identifiers: MedGen C0950123, MeSH D030342.

gnomAD v4.1: 1 of 1,593,930 alleles (0.000063%); no homozygotes.

Submissions (4):

ClinGen Myeloid Malignancy Variant Curation Expert Panel
Classification: Uncertain significance for Hereditary thrombocytopenia and hematologic cancer predisposition syndrome. Last evaluated: 2024-11-13. Review status: reviewed by expert panel. Criteria: ClinGen MyeloMalig ACMG Specifications v2. Collection method: curation. Allele origin: germline. Inheritance: Autosomal dominant inheritance.
Comment: NM_001754.5(RUNX1):c.983C>A (p.Thr328Lys) is a missense variant which has a REVEL score < 0.50 (0.099) and a SpliceAI score ≤ 0.20 (0.0) (BP4). In summary, the clinical significance of this variant is uncertain. ACMG/AMP criteria applied, as specified by the Myeloid Malignancy Variant Curation Expert Panel for RUNX1: BP4.

Ambry Genetics
Classification: Uncertain significance for Inborn genetic diseases. Last evaluated: 2025-05-24. Review status: criteria provided, single submitter. Criteria: Ambry Variant Classification Scheme 2023. Collection method: clinical testing. Allele origin: germline. Not counted in ClinVar's aggregate classification.
Comment: The p.T328K variant (also known as c.983C>A), located in coding exon 8 of the RUNX1 gene, results from a C to A substitution at nucleotide position 983. The threonine at codon 328 is replaced by lysine, an amino acid with similar properties. This amino acid position is conserved. In addition, this alteration is predicted to be tolerated by in silico analysis. Based on the available evidence, the clinical significance of this variant remains unclear.

GeneDx
Classification: Uncertain significance. Last evaluated: 2025-04-27. Review status: criteria provided, single submitter. Criteria: GeneDx Variant Classification Process June 2021. Collection method: clinical testing. Allele origin: germline. Affected: yes. Not counted in ClinVar's aggregate classification.
Comment: Not observed at significant frequency in large population cohorts (gnomAD); In silico analysis indicates that this missense variant does not alter protein structure/function; Has not been previously published as pathogenic or benign to our knowledge

Labcorp Genetics (formerly Invitae), Labcorp
Classification: Uncertain significance for Hereditary thrombocytopenia and hematological cancer predisposition syndrome associated with RUNX1. Last evaluated: 2022-10-07. Review status: criteria provided, single submitter. Criteria: Invitae Variant Classification Sherloc (09022015). Collection method: clinical testing. Allele origin: germline. Not counted in ClinVar's aggregate classification.
Comment: In summary, the available evidence is currently insufficient to determine the role of this variant in disease. Therefore, it has been classified as a Variant of Uncertain Significance. This variant is not present in population databases (gnomAD no frequency). This sequence change replaces threonine, which is neutral and polar, with lysine, which is basic and polar, at codon 328 of the RUNX1 protein (p.Thr328Lys). Advanced modeling of protein sequence and biophysical properties (such as structural, functional, and spatial information, amino acid conservation, physicochemical variation, residue mobility, and thermodynamic stability) performed at Invitae indicates that this missense variant is not expected to disrupt RUNX1 protein function. This variant has not been reported in the literature in individuals affected with RUNX1-related conditions.